The following is an entry in ClinVar:

NM_000211.5(ITGB2):c.1324C>T (p.Leu442Phe)

Gene: ITGB2 (integrin subunit beta 2; minus strand). Cytogenetic location: 21q22.3.
Variant type: single nucleotide variant.
Coding change: c.1324C>T on transcript NM_000211.5 (MANE Select); coding-DNA position 1324, C replaced by T.
Protein change: p.Leu442Phe; replaces leucine 442 with phenylalanine.
Molecular consequence: missense variant.
Genome position (GRCh38, 1-based): chr21:44,891,897, G>A on the plus strand (C>T on the coding strand, the complement: ITGB2 is on the minus strand). VCF-style: chr21-44891897-G-A. GRCh37 (hg19) VCF-style: chr21-46311812-G-A.
Other names: c.1324C>T, p.Leu442Phe (NM_001127491.3); c.1117C>T, p.Leu373Phe (NM_001303238.2); c.1324C>T (LRG_76t1); short protein forms L442F, L373F.
Identifiers: ClinVar variation 340154 (VCV000340154.7), dbSNP rs750853525, ClinGen allele CA10062856.

ClinVar aggregate classification (germline): Uncertain significance. Review status: criteria provided, multiple submitters, no conflicts (2 of 4 stars). 3 submissions from 3 submitters: Uncertain significance (3). Last evaluated 2024-11-22.

Conditions:
Leukocyte adhesion deficiency 1 (LAD1). Also called: LEUKOCYTE ADHESION DEFICIENCY, TYPE I; LAD 1; Lymphocyte function-associated antigen 1 immunodeficiency; LFA 1 immunodeficiency. Identifiers: Orphanet 2968, Orphanet 99842, MedGen C0398738, MONDO:0007293, OMIM 116920.

Allele frequency attached by ClinVar (database versions not stated): gnomAD exomes 0.00016 and 0.00032; ExAC 0.00017; TOPMed 0.00020; gnomAD 0.00025 and 0.00026.
gnomAD v4.1: 306 of 1,613,080 alleles (0.019%); highest among the groups gnomAD compares: Admixed American, 0.01%; no homozygotes.

Submissions (3):

Blueprint Genetics
Classification: Uncertain significance. Last evaluated: 2024-11-22. Review status: criteria provided, single submitter. Criteria: ACMG Guidelines, 2015. Collection method: clinical testing. Allele origin: germline.

Center for Genomics, Ann and Robert H. Lurie Children's Hospital of Chicago
Classification: Uncertain significance for Leukocyte adhesion deficiency 1. Last evaluated: 2022-06-27. Review status: criteria provided, single submitter. Criteria: ACMG Guidelines, 2015. Collection method: clinical testing. Allele origin: germline.
Comment: This variant has not been reported in the literature but is present in the Genome Aggregation Database (Highest reported MAF: 0.7% [75/10344]) and in ClinVar (Variation ID: 340154). Evolutionary conservation and computational predictive tools suggest that this variant may not impact the protein. In summary, data on this variant is insufficient for disease classification. Therefore, the clinical significance of this variant is uncertain.

Illumina Laboratory Services, Illumina
Classification: Uncertain significance for Leukocyte adhesion deficiency 1. Last evaluated: 2018-01-12. Review status: criteria provided, single submitter. Criteria: ICSL Variant Classification Criteria 13 December 2019. Collection method: clinical testing. Allele origin: germline.